The following is an entry in ClinVar:

ClinVar aggregate classification (germline): Uncertain significance. Review status: criteria provided, single submitter (1 of 4 stars). 2 submissions from 2 submitters: Uncertain significance (1). 1 of the submissions does not count toward it. Last evaluated 2024-10-18.

Conditions:
Multiple acyl-CoA dehydrogenase deficiency (MADD). Also called: ETHYLMALONIC-ADIPICACIDURIA; GA II; Glutaric aciduria, type 2; Glutaric acidemia type II; GA 2; Glutaric Acidemia type 2. Identifiers: Orphanet 26791, MedGen C0268596, MONDO:0009282, OMIM 231680.
Glutaric acidemia type 2C.

gnomAD v4.1: 2 of 1,612,400 alleles (0.00012%); highest among the groups gnomAD compares: South Asian, 0.0011%; no homozygotes.

Submissions (2):

Labcorp Genetics (formerly Invitae), Labcorp
Classification: Uncertain significance for Multiple acyl-CoA dehydrogenase deficiency. Last evaluated: 2024-10-18. Review status: criteria provided, single submitter. Criteria: Invitae Variant Classification Sherloc (09022015). Collection method: clinical testing. Allele origin: germline.
Comment: This sequence change replaces aspartic acid, which is acidic and polar, with asparagine, which is neutral and polar, at codon 575 of the ETFDH protein (p.Asp575Asn). This variant is present in population databases (no rsID available, gnomAD 0.003%). This variant has not been reported in the literature in individuals affected with ETFDH-related conditions. Invitae Evidence Modeling of protein sequence and biophysical properties (such as structural, functional, and spatial information, amino acid conservation, physicochemical variation, residue mobility, and thermodynamic stability) indicates that this missense variant is not expected to disrupt ETFDH protein function with a negative predictive value of 95%. Algorithms developed to predict the effect of sequence changes on RNA splicing suggest that this variant may create or strengthen a splice site. In summary, the available evidence is currently insufficient to determine the role of this variant in disease. Therefore, it has been classified as a Variant of Uncertain Significance.

Natera, Inc.
Classification: Uncertain significance for Glutaric acidemia type 2C. Last evaluated: 2025-04-10. Review status: no assertion criteria provided. Collection method: clinical testing. Allele origin: germline. Not counted in ClinVar's aggregate classification.

NM_004453.4(ETFDH):c.1723G>A (p.Asp575Asn)

Gene: ETFDH (electron transfer flavoprotein dehydrogenase; plus strand). Cytogenetic location: 4q32.1.
Variant type: single nucleotide variant.
Coding change: c.1723G>A on transcript NM_004453.4 (MANE Select); coding-DNA position 1723, G replaced by A.
Protein change: p.Asp575Asn; replaces aspartic acid 575 with asparagine.
Molecular consequence: missense variant.
Genome position (GRCh38, 1-based): chr4:158,708,396, G>A. VCF-style: chr4-158708396-G-A. GRCh37 (hg19) VCF-style: chr4-159629548-G-A.
Other names: c.1723G>A (NM_004453.3); c.1582G>A, p.Asp528Asn (NM_001281737.2); c.1540G>A, p.Asp514Asn (NM_001281738.1); short protein forms D528N, D514N, D575N.
Identifiers: ClinVar variation 3690996 (VCV003690996.3).